The following is an entry in ClinVar:

NM_003280.3(TNNC1):c.405G>C (p.Glu135Asp)

Gene: TNNC1 (troponin C1, slow skeletal and cardiac type; minus strand). Cytogenetic location: 3p21.1.
Variant type: single nucleotide variant.
Coding change: c.405G>C on transcript NM_003280.3 (MANE Select); coding-DNA position 405, G replaced by C.
Protein change: p.Glu135Asp; replaces glutamic acid 135 with aspartic acid.
Molecular consequence: missense variant.
Genome position (GRCh38, 1-based): chr3:52,451,440, C>G on the plus strand (G>C on the coding strand, the complement: TNNC1 is on the minus strand). VCF-style: chr3-52451440-C-G. GRCh37 (hg19) VCF-style: chr3-52485456-C-G.
Other names: short protein forms E135D.
Identifiers: ClinVar variation 4854262 (VCV004854262.1).

ClinVar aggregate classification (germline): Uncertain significance (1 of 4 stars; one submission).

Conditions:
TNNC1-related disorder. Also called: TNNC1-related condition.

Submission:

3billion
Classification: Uncertain significance for TNNC1-related disorder. Last evaluated: 2025-08-26. Review status: criteria provided, single submitter. Criteria: ACMG Guidelines, 2015. Collection method: clinical testing. Allele origin: germline. Affected: yes.
Comment: The variant is not observed in the gnomAD v4.1.0 dataset. Predicted Consequence/Location: Missense variant. Missense changes are a common disease-causing mechanism. In silico tool predictions suggest damaging effect of the variant on gene or gene product [3Cnet: 0.94 (> 0.75, sensitivity 0.96 and precision 0.92)]. A different missense change at the same codon (p.Glu135Ala) has been reported to be associated with TNNC1-related disorder (PMID: 33019804). However the evidence of pathogenicity is insufficient at this time. Therefore, this variant is classified as VUS according to the recommendation of ACMG/AMP guideline.

Literature cited by the submitters: PubMed 33019804.